The following is an entry in ClinVar:

ClinVar aggregate classification (germline): Likely benign (1 of 4 stars; one submission).

Submission:

GeneDx
Classification: Likely benign. Last evaluated: 2018-06-14. Review status: criteria provided, single submitter. Criteria: GeneDx Variant Classification (06012015). Collection method: clinical testing. Allele origin: germline. Affected: yes.
Comment: This variant is considered likely benign or benign based on one or more of the following criteria: it is a conservative change, it occurs at a poorly conserved position in the protein, it is predicted to be benign by multiple in silico algorithms, and/or has population frequency not consistent with disease.

NM_006516.4(SLC2A1):c.19-104_19-103del

Gene: SLC2A1 (solute carrier family 2 member 1; minus strand). Cytogenetic location: 1p34.2.
Variant type: Microsatellite.
Coding change: c.19-104_19-103del on transcript NM_006516.4 (MANE Select); 104 bases into the intron before coding-DNA position 19 through 103 bases into the intron before coding-DNA position 19, 2 bases deleted (AG; older notation c.19-104_19-103delAG).
Molecular consequence: intron variant.
Genome position (GRCh38, 1-based): chr1:42,943,424-42,943,425, CT deleted on the plus strand (AG on the coding strand, the reverse complement: SLC2A1 is on the minus strand); deleting any 2 consecutive bases within chr1:42,943,424-42,943,427 gives the same sequence; the c. name uses the placement nearest the transcript's 3' end. VCF-style (leftmost placement, unchanged base first): chr1-42943423-ACT-A. GRCh37 (hg19) VCF-style: chr1-43409094-ACT-A.
Identifiers: ClinVar variation 677681 (VCV000677681.1), dbSNP rs144759591, ClinGen allele CA21260212.